The following is an entry in ClinVar:

ClinVar aggregate classification (germline): Uncertain significance (1 of 4 stars; one submission).

Submission:

Labcorp Genetics (formerly Invitae), Labcorp
Classification: Uncertain significance. Last evaluated: 2026-02-03. Review status: criteria provided, single submitter. Criteria: Invitae Variant Classification Sherloc (09022015). Collection method: clinical testing. Allele origin: germline.
Comment: This sequence change replaces serine, which is neutral and polar, with phenylalanine, which is neutral and non-polar, at codon 140 of the ASXL1 protein (p.Ser140Phe). This variant is not present in population databases (gnomAD no frequency). This variant has not been reported in the literature in individuals affected with ASXL1-related conditions. An algorithm developed to predict the effect of missense changes on protein structure and function (PolyPhen-2) suggests that this variant is likely to be disruptive. In summary, the available evidence is currently insufficient to determine the role of this variant in disease. Therefore, it has been classified as a Variant of Uncertain Significance.

NM_015338.6(ASXL1):c.419C>T (p.Ser140Phe)

Gene: ASXL1 (ASXL transcriptional regulator 1; plus strand). Cytogenetic location: 20q11.21.
Variant type: single nucleotide variant.
Coding change: c.419C>T on transcript NM_015338.6 (MANE Select); coding-DNA position 419, C replaced by T.
Protein change: p.Ser140Phe; replaces serine 140 with phenylalanine.
Molecular consequence: missense variant.
Genome position (GRCh38, 1-based): chr20:32,428,370, C>T. VCF-style: chr20-32428370-C-T. GRCh37 (hg19) VCF-style: chr20-31016173-C-T.
Other names: c.389C>T, p.Ser130Phe (NM_001363734.1); short protein forms S140F, S130F.
Identifiers: ClinVar variation 4736604 (VCV004736604.1).